The following is an entry in ClinVar:

NM_001369.3(DNAH5):c.5360_5361insATCAAAC (p.Trp1788fs)

Gene: DNAH5 (dynein axonemal heavy chain 5; minus strand). Cytogenetic location: 5p15.2.
Variant type: Insertion.
Coding change: c.5360_5361insATCAAAC on transcript NM_001369.3 (MANE Select); coding-DNA positions 5360 to 5361, ATCAAAC inserted.
Protein change: p.Trp1788fs; shifts the reading frame from tryptophan 1788.
Molecular consequence: frameshift variant.
Genome position: GRCh38 VCF-style: chr5-13841815-A-AGTTTGAT. GRCh37 (hg19) VCF-style: chr5-13841924-A-AGTTTGAT.
Other names: short protein forms W1788fs.
Identifiers: ClinVar variation 1726844 (VCV001726844.2), dbSNP rs2546911472, ClinGen allele CA2580072090.

ClinVar aggregate classification (germline): Likely pathogenic (1 of 4 stars; one submission).

Conditions:
Primary ciliary dyskinesia 3. Identifiers: Orphanet 244, MedGen C1837618, MONDO:0012085, OMIM 608644.

Submission:

Myriad Genetics, Inc.
Classification: Likely pathogenic for Primary ciliary dyskinesia 3. Last evaluated: 2022-01-02. Review status: criteria provided, single submitter. Criteria: Myriad Women's Health Autosomal Recessive and X-Linked Classification Criteria (2021). Collection method: clinical testing. Allele origin: unknown.
Comment: NM_001369.2(DNAH5):c.5360_5361ins7(W1788Sfs*5) is expected to be pathogenic in the context of DNAH5-related primary ciliary dyskinesia. This variant is predicted to lead to an abnormal or absent protein product due to the creation of a premature termination codon in DNAH5, a gene where loss-of-function variants are known to be pathogenic. Please note: this variant was assessed in the context of healthy population screening.